The following is an entry in ClinVar:

ClinVar aggregate classification (germline): Uncertain significance (1 of 4 stars; one submission).

Submission:

Ambry Genetics
Classification: Uncertain significance. Last evaluated: 2025-09-27. Review status: criteria provided, single submitter. Criteria: Ambry Variant Classification Scheme 2023. Collection method: clinical testing. Allele origin: germline.
Comment: The p.Y303D variant (also known as c.907T>G), located in coding exon 1 of the MLH3 gene, results from a T to G substitution at nucleotide position 907. The tyrosine at codon 303 is replaced by aspartic acid, an amino acid with highly dissimilar properties. This amino acid position is conserved. In addition, the in silico prediction for this alteration is inconclusive. Based on the available evidence, the clinical significance of this variant remains unclear.

NM_001040108.2(MLH3):c.907T>G (p.Tyr303Asp)

Gene: MLH3 (mutL homolog 3; minus strand). Cytogenetic location: 14q24.3.
Variant type: single nucleotide variant.
Coding change: c.907T>G on transcript NM_001040108.2 (MANE Select); coding-DNA position 907, T replaced by G.
Protein change: p.Tyr303Asp; replaces tyrosine 303 with aspartic acid.
Molecular consequence: missense variant.
Genome position (GRCh38, 1-based): chr14:75,048,749, A>C on the plus strand (T>G on the coding strand, the complement: MLH3 is on the minus strand). VCF-style: chr14-75048749-A-C. GRCh37 (hg19) VCF-style: chr14-75515452-A-C.
Other names: c.907T>G, p.Tyr303Asp (NM_014381.3); short protein forms Y303D.
Identifiers: ClinVar variation 4552075 (VCV004552075.1).